The following is an entry in ClinVar:

NM_001184.4(ATR):c.4873G>T (p.Asp1625Tyr)

Gene: ATR (ATR checkpoint kinase; minus strand). Cytogenetic location: 3q23.
Variant type: single nucleotide variant.
Coding change: c.4873G>T on transcript NM_001184.4 (MANE Select); coding-DNA position 4873, G replaced by T.
Protein change: p.Asp1625Tyr; replaces aspartic acid 1625 with tyrosine.
Molecular consequence: missense variant.
Genome position (GRCh38, 1-based): chr3:142,508,089, C>A on the plus strand (G>T on the coding strand, the complement: ATR is on the minus strand). VCF-style: chr3-142508089-C-A. GRCh37 (hg19) VCF-style: chr3-142226931-C-A.
Other names: c.4681G>T, p.Asp1561Tyr (NM_001354579.2); short protein forms D1561Y, D1625Y.
Identifiers: ClinVar variation 1743736 (VCV001743736.2), dbSNP rs1382766417, ClinGen allele CA354820966.
Genomic context (GRCh38, chr3:142,508,089, plus strand): 5'-AAGCTACTGCCAGAGTATCCTGGGGTATGAGGTCTAGAAAACGGGTTACACTCTGATAGT[C>A]TTCATAATCCACAGTAGATACTAGATCATAAAAAAAGTTGAGTAATTAAAGACTTATAAG-3'
Protein context (NP_001175.2, residues 1615-1635): DSMVSTVDYE[Asp1625Tyr]YQSVTRFLDL

ClinVar aggregate classification (germline): Uncertain significance (1 of 4 stars; one submission).

Conditions:
Inborn genetic diseases. Identifiers: MedGen C0950123, MeSH D030342.

Submission:

Ambry Genetics
Classification: Uncertain significance for Inborn genetic diseases. Last evaluated: 2022-03-31. Review status: criteria provided, single submitter. Criteria: Ambry Variant Classification Scheme 2023. Collection method: clinical testing. Allele origin: germline.
Comment: The p.D1625Y variant (also known as c.4873G>T), located in coding exon 28 of the ATR gene, results from a G to T substitution at nucleotide position 4873. The aspartic acid at codon 1625 is replaced by tyrosine, an amino acid with highly dissimilar properties. This amino acid position is conserved. In addition, this alteration is predicted to be tolerated by in silico analysis. Since supporting evidence is limited at this time, the clinical significance of this alteration remains unclear.